The following is an entry in ClinVar:

NM_006767.4(LZTR1):c.431C>A (p.Ser144Tyr)

Gene: LZTR1 (leucine zipper like transcription regulator 1; plus strand). Cytogenetic location: 22q11.21.
Variant type: single nucleotide variant.
Coding change: c.431C>A on transcript NM_006767.4 (MANE Select); coding-DNA position 431, C replaced by A.
Protein change: p.Ser144Tyr; replaces serine 144 with tyrosine.
Molecular consequence: missense variant.
Genome position (GRCh38, 1-based): chr22:20,988,040, C>A. VCF-style: chr22-20988040-C-A. GRCh37 (hg19) VCF-style: chr22-21342329-C-A.
Other names: short protein forms S144Y.
Identifiers: ClinVar variation 450998 (VCV000450998.2), dbSNP rs771885420, ClinGen allele CA410779734.
Genomic context (GRCh38, chr22:20,988,040, plus strand): 5'-GTTTGACAGTTTCTCACTCTCTTTACTCAGGGGGTTACACTGGGGACATTTATTCCAATT[C>A]TAACTTGAAGAATAAAAACGACCTCTTTGAATACAAGTTTGCAACTGGCCAGTGGACGGA-3'
Protein context (NP_006758.2, residues 134-154): GGYTGDIYSN[Ser144Tyr]NLKNKNDLFE

ClinVar aggregate classification (germline): Likely pathogenic (1 of 4 stars; one submission).

Submission:

GeneDx
Classification: Likely pathogenic. Last evaluated: 2018-05-04. Review status: criteria provided, single submitter. Criteria: GeneDx Variant Classification (06012015). Collection method: clinical testing. Allele origin: germline. Affected: yes.
Comment: The S144Y variant in the LZTR1 gene has not been reported previously as a pathogenic variant, nor as a benign variant, to our knowledge. The S144Y variant is not observed in large population cohorts (Lek et al., 2016; 1000 Genomes Consortium et al., 2015; Exome Variant Server). The S144Y variant is a semi-conservative amino acid substitution, which may impact secondary protein structure as these residues differ in some properties. This substitution occurs at a position that is conserved across species. In silico analysis predicts this variant is probably damaging to the protein structure/function. We interpret S144Y as a likely pathogenic variant.